The following is an entry in ClinVar:

NM_004369.4(COL6A3):c.3750C>T (p.Tyr1250=)

Gene: COL6A3 (collagen type VI alpha 3 chain; minus strand). Cytogenetic location: 2q37.3.
Variant type: single nucleotide variant.
Coding change: c.3750C>T on transcript NM_004369.4 (MANE Select); coding-DNA position 3750, C replaced by T.
Protein change: p.Tyr1250=; no amino-acid change (tyrosine 1250 retained).
Molecular consequence: synonymous variant.
Genome position (GRCh38, 1-based): chr2:237,372,267, G>A on the plus strand (C>T on the coding strand, the complement: COL6A3 is on the minus strand). VCF-style: chr2-237372267-G-A. GRCh37 (hg19) VCF-style: chr2-238280910-G-A.
Other names: c.2529C>T, p.Tyr843= (NM_057164.5); c.3132C>T, p.Tyr1044= (NM_057165.5, NM_057167.4); c.1929C>T, p.Tyr643= (NM_057166.5).
Identifiers: ClinVar variation 508885 (VCV000508885.11), dbSNP rs763648429, ClinGen allele CA2189084.

ClinVar aggregate classification (germline): Likely benign. Review status: criteria provided, multiple submitters, no conflicts (2 of 4 stars). 3 submissions from 3 submitters: Likely benign (3). Last evaluated 2025-09-09.

Conditions:
Bethlem myopathy 1A. Also called: Bethlem myopathy 1; Bethlem Muscular Dystrophy; MYOPATHY, BENIGN CONGENITAL, WITH CONTRACTURES. Identifiers: Orphanet 610, MedGen CN029274, MONDO:0024530, OMIM 158810.

Allele frequency attached by ClinVar (database versions not stated): TOPMed 0.00001; ExAC 0.00002; gnomAD exomes 0.00002; gnomAD 0.00004 and 0.00005.
gnomAD v4.1: 28 of 1,613,480 alleles (0.0017%); highest among the groups gnomAD compares: African/African-American, 0.004%; 1 homozygote.

Submissions (3):

Labcorp Genetics (formerly Invitae), Labcorp
Classification: Likely benign for Bethlem myopathy 1A. Last evaluated: 2025-09-09. Review status: criteria provided, single submitter. Criteria: Invitae Variant Classification Sherloc (09022015). Collection method: clinical testing. Allele origin: germline.

Blueprint Genetics
Classification: Likely benign. Last evaluated: 2024-11-11. Review status: criteria provided, single submitter. Criteria: ACMG Guidelines, 2015. Collection method: clinical testing. Allele origin: germline.

GeneDx
Classification: Likely benign. Last evaluated: 2017-04-17. Review status: criteria provided, single submitter. Criteria: GeneDx Variant Classification (06012015). Collection method: clinical testing. Allele origin: germline. Affected: yes.
Comment: This variant is considered likely benign or benign based on one or more of the following criteria: it is a conservative change, it occurs at a poorly conserved position in the protein, it is predicted to be benign by multiple in silico algorithms, and/or has population frequency not consistent with disease.